The following is an entry in ClinVar:

ClinVar aggregate classification (germline): Benign (1 of 4 stars; one submission).

Conditions:
Oligodontia-cancer predisposition syndrome. Also called: TOOTH AGENESIS-COLORECTAL CANCER SYNDROME. Identifiers: Orphanet 300576, MedGen C1837750, MONDO:0012075, OMIM 608615. Disease mechanism: loss of function.

Submission:

Myriad Genetics, Inc.
Classification: Benign for Oligodontia-cancer predisposition syndrome. Last evaluated: 2024-07-03. Review status: criteria provided, single submitter. Criteria: Myriad Autosomal Dominant, Autosomal Recessive and X-Linked Classification Criteria (2023). Collection method: clinical testing. Allele origin: unknown.
Comment: This variant is considered benign. This variant is a silent/synonymous amino acid change and it is not expected to impact splicing.

NM_004655.4(AXIN2):c.1506C>T (p.Gly502=)

Gene: AXIN2 (axin 2; minus strand). Cytogenetic location: 17q24.1.
Variant type: single nucleotide variant.
Coding change: c.1506C>T on transcript NM_004655.4 (MANE Select); coding-DNA position 1506, C replaced by T.
Protein change: p.Gly502=; no amino-acid change (glycine 502 retained).
Molecular consequence: synonymous variant.
Genome position (GRCh38, 1-based): chr17:65,537,530, G>A on the plus strand (C>T on the coding strand, the complement: AXIN2 is on the minus strand). VCF-style: chr17-65537530-G-A. GRCh37 (hg19) VCF-style: chr17-63533648-G-A.
Other names: c.1506C>T, p.Gly502= (NM_001363813.1).
Identifiers: ClinVar variation 3379075 (VCV003379075.1).